The following is an entry in ClinVar:

NM_017433.5(MYO3A):c.2870A>G (p.Glu957Gly)

Gene: MYO3A (myosin IIIA; plus strand). Cytogenetic location: 10p12.1.
Variant type: single nucleotide variant.
Coding change: c.2870A>G on transcript NM_017433.5 (MANE Select); coding-DNA position 2870, A replaced by G.
Protein change: p.Glu957Gly; replaces glutamic acid 957 with glycine.
Molecular consequence: missense variant.
Genome position (GRCh38, 1-based): chr10:26,157,386, A>G. VCF-style: chr10-26157386-A-G. GRCh37 (hg19) VCF-style: chr10-26446315-A-G.
Other names: short protein forms E957G.
Identifiers: ClinVar variation 299665 (VCV000299665.7), dbSNP rs764192576, ClinGen allele CA5445095.

ClinVar aggregate classification (germline): Uncertain significance. Review status: criteria provided, multiple submitters, no conflicts (2 of 4 stars). 3 submissions from 3 submitters: Uncertain significance (3). Last evaluated 2023-07-25.

Conditions:
Autosomal recessive nonsyndromic hearing loss 30. Identifiers: Orphanet 90636, MedGen C1846784, MONDO:0011774, OMIM 607101.
MYO3A-related disorder. Also called: MYO3A-related condition.

Allele frequency attached by ClinVar (database versions not stated): gnomAD exomes below 0.00001; ExAC 0.00001.

Submissions (3):

PreventionGenetics, part of Exact Sciences
Classification: Uncertain significance for MYO3A-related condition. Last evaluated: 2023-07-25. Review status: criteria provided, single submitter. Criteria: ACMG Guidelines, 2015. Collection method: clinical testing. Allele origin: germline.
Comment: The MYO3A c.2870A>G variant is predicted to result in the amino acid substitution p.Glu957Gly. To our knowledge, this variant has not been reported in the literature. This variant is reported in 0.00088% of alleles in individuals of European (Non-Finnish) descent in gnomAD. At this time, the clinical significance of this variant is uncertain due to the absence of conclusive functional and genetic evidence.

Fulgent Genetics
Classification: Uncertain significance for Autosomal recessive nonsyndromic hearing loss 30. Last evaluated: 2021-07-06. Review status: criteria provided, single submitter. Criteria: ACMG Guidelines, 2015. Collection method: clinical testing. Allele origin: unknown.

Illumina Laboratory Services, Illumina
Classification: Uncertain significance for Autosomal recessive nonsyndromic hearing loss 30. Last evaluated: 2018-01-12. Review status: criteria provided, single submitter. Criteria: ICSL Variant Classification Criteria 13 December 2019. Collection method: clinical testing. Allele origin: germline.